The following is an entry in ClinVar:

NM_001290060.2(SEMA3B):c.32C>T (p.Pro11Leu)

Gene: SEMA3B (semaphorin 3B; plus strand). Cytogenetic location: 3p21.31.
Variant type: single nucleotide variant.
Coding change: c.32C>T on transcript NM_001290060.2 (MANE Select); coding-DNA position 32, C replaced by T.
Protein change: p.Pro11Leu; replaces proline 11 with leucine.
Molecular consequence: missense variant.
Genome position (GRCh38, 1-based): chr3:50,269,272, C>T. VCF-style: chr3-50269272-C-T. GRCh37 (hg19) VCF-style: chr3-50306704-C-T.
Other names: c.32C>T, p.Pro11Leu (NM_001005914.3, NM_001290061.1, NM_004636.4); short protein forms P11L.
Identifiers: ClinVar variation 3346074 (VCV003346074.1).

ClinVar aggregate classification (germline): Uncertain significance (0 of 4 stars; one submission).

Conditions:
SEMA3B-related disorder. Also called: SEMA3B-related condition.

gnomAD v4.1: 18 of 1,537,926 alleles (0.0012%); highest among the groups gnomAD compares: African/African-American, 0.0082%; no homozygotes.

Submission:

PreventionGenetics, part of Exact Sciences
Classification: Uncertain significance for SEMA3B-related condition. Last evaluated: 2024-04-03. Review status: no assertion criteria provided. Collection method: clinical testing. Allele origin: germline.
Comment: The SEMA3B c.32C>T variant is predicted to result in the amino acid substitution p.Pro11Leu. To our knowledge, this variant has not been reported in the literature. This variant is reported in 0.0095% of alleles in individuals of East Asian descent in gnomAD. At this time, the clinical significance of this variant is uncertain due to the absence of conclusive functional and genetic evidence.